The following is an entry in ClinVar:

NM_000262.3(NAGA):c.730G>A (p.Gly244Ser)

Gene: NAGA (alpha-N-acetylgalactosaminidase; minus strand). Cytogenetic location: 22q13.2.
Variant type: single nucleotide variant.
Coding change: c.730G>A on transcript NM_000262.3 (MANE Select); coding-DNA position 730, G replaced by A.
Protein change: p.Gly244Ser; replaces glycine 244 with serine.
Molecular consequence: missense variant.
Genome position (GRCh38, 1-based): chr22:42,065,767, C>T on the plus strand (G>A on the coding strand, the complement: NAGA is on the minus strand). VCF-style: chr22-42065767-C-T. GRCh37 (hg19) VCF-style: chr22-42461771-C-T.
Other names: c.730G>A, p.Gly244Ser (NM_001362848.1, NM_001362850.1); short protein forms G244S.
Identifiers: ClinVar variation 2145837 (VCV002145837.5), dbSNP rs774739651, ClinGen allele CA10263717.

ClinVar aggregate classification (germline): Uncertain significance. Review status: criteria provided, multiple submitters, no conflicts (2 of 4 stars). 3 submissions from 3 submitters: Uncertain significance (3). Last evaluated 2024-12-17.

Conditions:
Alpha-N-acetylgalactosaminidase deficiency type 1. Also called: SCHINDLER DISEASE, TYPE I; ALPHA-N-ACETYLGALACTOSAMINIDASE DEFICIENCY, TYPE I; NAGA DEFICIENCY, TYPE I; NEUROAXONAL DYSTROPHY, SCHINDLER TYPE. Identifiers: Orphanet 3137, Orphanet 79279, Orphanet 79281, MedGen C1836544, MONDO:0012221, OMIM 609241.
Intellectual disability. Also called: Intellectual functioning disability; intellectual disabilities; Intellectual developmental disorder. Identifiers: MedGen C3714756, MeSH D008607, MONDO:0001071, HP:0001249.

Allele frequency attached by ClinVar (database versions not stated): gnomAD 0.00002; ExAC 0.00003; TOPMed 0.00001; gnomAD exomes 0.00002.

Submissions (3):

Women's Health and Genetics/Laboratory Corporation of America, LabCorp
Classification: Uncertain significance. Last evaluated: 2024-12-17. Review status: criteria provided, single submitter. Criteria: LabCorp Variant Classification Summary - May 2015. Collection method: clinical testing. Allele origin: germline.
Comment: Variant summary: NAGA c.730G>A (p.Gly244Ser) results in a non-conservative amino acid change located in the glycosyl hydrolase family 27 (GH27) (IPR002241) of the encoded protein sequence. Five of five in-silico tools predict a damaging effect of the variant on protein function. The variant allele was found at a frequency of 2e-05 in 251362 control chromosomes. The available data on variant occurrences in the general population are insufficient to allow any conclusion about variant significance. To our knowledge, no occurrence of c.730G>A in individuals affected with Schindler disease and no experimental evidence demonstrating its impact on protein function have been reported. ClinVar contains an entry for this variant (Variation ID: 2145837). Based on the evidence outlined above, the variant was classified as uncertain significance.

Labcorp Genetics (formerly Invitae), Labcorp
Classification: Uncertain significance for Alpha-N-acetylgalactosaminidase deficiency type 1. Last evaluated: 2024-10-22. Review status: criteria provided, single submitter. Criteria: Invitae Variant Classification Sherloc (09022015). Collection method: clinical testing. Allele origin: germline.
Comment: This sequence change replaces glycine, which is neutral and non-polar, with serine, which is neutral and polar, at codon 244 of the NAGA protein (p.Gly244Ser). This variant is present in population databases (rs774739651, gnomAD 0.005%). This variant has not been reported in the literature in individuals affected with NAGA-related conditions. ClinVar contains an entry for this variant (Variation ID: 2145837). Invitae Evidence Modeling of protein sequence and biophysical properties (such as structural, functional, and spatial information, amino acid conservation, physicochemical variation, residue mobility, and thermodynamic stability) indicates that this missense variant is not expected to disrupt NAGA protein function with a negative predictive value of 80%. In summary, the available evidence is currently insufficient to determine the role of this variant in disease. Therefore, it has been classified as a Variant of Uncertain Significance.

Cambridge Genomics Laboratory, East Genomic Laboratory Hub, NHS Genomic Medicine Service
Classification: Uncertain significance for Intellectual disability. Last evaluated: 2020-03-30. Review status: criteria provided, single submitter. Criteria: ACGS Best Practice Guidelines for Variant Classification in Rare Disease 2020. Collection method: clinical testing. Allele origin: germline. Affected: yes. Observed: 1 variant allele.